The following is an entry in ClinVar:

ClinVar aggregate classification (germline): Pathogenic/Likely pathogenic. Review status: criteria provided, multiple submitters, no conflicts (2 of 4 stars). 2 submissions from 2 submitters: Pathogenic (1); Likely pathogenic (1). Last evaluated 2025-02-12.

Conditions:
DBT-related disorder. Also called: DBT-related condition.
Maple syrup urine disease type 2 (MSUD2). Also called: Maple syrup urine disease, type II. Identifiers: MedGen C1855371, MONDO:0023693, OMIM 620699.

Submissions (2):

PreventionGenetics, part of Exact Sciences
Classification: Pathogenic for DBT-related condition. Last evaluated: 2025-02-12. Review status: criteria provided, single submitter. Criteria: ACMG Guidelines, 2015. Collection method: clinical testing. Allele origin: germline.
Comment: The DBT c.437C>G variant is predicted to result in premature protein termination (p.Ser146*). To our knowledge, this variant has not been reported in the literature or in a large population database (gnomAD), indicating this variant is rare. Loss-of-function variation in DBT is an established mechanism of disease; other nonsense and frameshift variants have been reported throughout the gene, including in the same exon (for example, see Abiri et al. 2019. PubMed ID: 31119508; Margutti et al. 2020. PubMed ID: 33131499). This variant is interpreted as pathogenic.

Fulgent Genetics
Classification: Likely pathogenic for Maple syrup urine disease type 2. Last evaluated: 2024-03-22. Review status: criteria provided, single submitter. Criteria: ACMG Guidelines, 2015. Collection method: clinical testing. Allele origin: germline.

NM_001918.5(DBT):c.437C>G (p.Ser146Ter)

Gene: DBT (dihydrolipoamide branched chain transacylase E2; minus strand). Cytogenetic location: 1p21.2.
Variant type: single nucleotide variant.
Coding change: c.437C>G on transcript NM_001918.5 (MANE Select); coding-DNA position 437, C replaced by G.
Protein change: p.Ser146Ter; replaces serine 146 with a stop codon.
Molecular consequence: nonsense. On other transcripts: 5 prime UTR variant (2), non-coding transcript variant (4).
Genome position (GRCh38, 1-based): chr1:100,218,744, G>C on the plus strand (C>G on the coding strand, the complement: DBT is on the minus strand). VCF-style: chr1-100218744-G-C. GRCh37 (hg19) VCF-style: chr1-100684300-G-C.
Other names: c.437C>G (NM_001918.3); c.-107C>G (NM_001399969.1, NM_001399972.1); short protein forms S146*.
Identifiers: ClinVar variation 3578808 (VCV003578808.2).